The following is an entry in ClinVar:

NM_000051.4(ATM):c.4227C>G (p.Ser1409=)

Gene: ATM (ATM serine/threonine kinase; plus strand). Cytogenetic location: 11q22.3.
Variant type: single nucleotide variant.
Coding change: c.4227C>G on transcript NM_000051.4 (MANE Select); coding-DNA position 4227, C replaced by G.
Protein change: p.Ser1409=; no amino-acid change (serine 1409 retained).
Molecular consequence: synonymous variant.
Genome position (GRCh38, 1-based): chr11:108,289,094, C>G. VCF-style: chr11-108289094-C-G. GRCh37 (hg19) VCF-style: chr11-108159821-C-G.
Other names: c.4227C>G, p.Ser1409= (NM_001351834.2).
Identifiers: ClinVar variation 1079080 (VCV001079080.10), dbSNP rs1555097018, ClinGen allele CA476673736.

ClinVar aggregate classification (germline): Benign/Likely benign. Review status: criteria provided, multiple submitters, no conflicts (2 of 4 stars). 2 submissions from 2 submitters: Benign (1); Likely benign (1). Last evaluated 2024-05-17.

Conditions:
Ataxia-telangiectasia syndrome (AT). Also called: Cerebello-oculocutaneous telangiectasia; Immunodeficiency with ataxia telangiectasia; ATAXIA-TELANGIECTASIA, FRESNO VARIANT; Ataxia-telangiectasia, complementation group D; Ataxia telangiectasia (A-T); LOUIS-BAR SYNDROME. Identifiers: Orphanet 100, MedGen C0004135, MONDO:0008840, OMIM 208900.
Familial cancer of breast. Also called: BREAST CANCER, FAMILIAL; hereditary breast carcinoma; Hereditary breast cancer. Identifiers: Orphanet 227535, MedGen C0346153, MONDO:0016419, OMIM 114480. Disease mechanism: loss of function.

Submissions (2):

Myriad Genetics, Inc.
Classification: Benign for Familial cancer of breast. Last evaluated: 2024-05-17. Review status: criteria provided, single submitter. Criteria: Myriad Autosomal Dominant, Autosomal Recessive and X-Linked Classification Criteria (2023). Collection method: clinical testing. Allele origin: unknown.
Comment: This variant is considered benign. This variant is a silent/synonymous amino acid change and it is not expected to impact splicing.

Labcorp Genetics (formerly Invitae), Labcorp
Classification: Likely benign for Ataxia-telangiectasia syndrome. Last evaluated: 2020-04-02. Review status: criteria provided, single submitter. Criteria: Invitae Variant Classification Sherloc (09022015). Collection method: clinical testing. Allele origin: germline.